The following is an entry in ClinVar:

NM_145290.4(ADGRA3):c.19C>G (p.Arg7Gly)

Gene: ADGRA3 (adhesion G protein-coupled receptor A3; minus strand). Cytogenetic location: 4p15.2.
Variant type: single nucleotide variant.
Coding change: c.19C>G on transcript NM_145290.4 (MANE Select); coding-DNA position 19, C replaced by G.
Protein change: p.Arg7Gly; replaces arginine 7 with glycine.
Molecular consequence: missense variant.
Genome position (GRCh38, 1-based): chr4:22,515,766, G>C on the plus strand (C>G on the coding strand, the complement: ADGRA3 is on the minus strand). VCF-style: chr4-22515766-G-C. GRCh37 (hg19) VCF-style: chr4-22517389-G-C.
Other names: short protein forms R7G.
Identifiers: ClinVar variation 1022927 (VCV001022927.8), dbSNP rs1719643978, ClinGen allele CA356508004.

ClinVar aggregate classification (germline): Uncertain significance (1 of 4 stars; one submission).

gnomAD v4.1: 2 of 1,019,786 alleles (0.0002%); highest among the groups gnomAD compares: Non-Finnish European, 0.00023%; no homozygotes.

Submission:

Labcorp Genetics (formerly Invitae), Labcorp
Classification: Uncertain significance. Last evaluated: 2022-06-20. Review status: criteria provided, single submitter. Criteria: Invitae Variant Classification Sherloc (09022015). Collection method: clinical testing. Allele origin: germline.
Comment: This sequence change replaces arginine, which is basic and polar, with glycine, which is neutral and non-polar, at codon 7 of the ADGRA3 protein (p.Arg7Gly). In summary, the available evidence is currently insufficient to determine the role of this variant in disease. Therefore, it has been classified as a Variant of Uncertain Significance. Algorithms developed to predict the effect of missense changes on protein structure and function are either unavailable or do not agree on the potential impact of this missense change (SIFT: "Tolerated"; PolyPhen-2: "Not Available"; Align-GVGD: "Class C0"). ClinVar contains an entry for this variant (Variation ID: 1022927). This variant has not been reported in the literature in individuals affected with ADGRA3-related conditions. The frequency data for this variant in the population databases is considered unreliable, as metrics indicate insufficient coverage at this position in the gnomAD database.